The following is an entry in ClinVar:

NM_001843.4(CNTN1):c.2426G>C (p.Ser809Thr)

Gene: CNTN1 (contactin 1; plus strand). Cytogenetic location: 12q12.
Variant type: single nucleotide variant.
Coding change: c.2426G>C on transcript NM_001843.4 (MANE Select); coding-DNA position 2426, G replaced by C.
Protein change: p.Ser809Thr; replaces serine 809 with threonine.
Molecular consequence: missense variant.
Genome position (GRCh38, 1-based): chr12:41,020,343, G>C. VCF-style: chr12-41020343-G-C. GRCh37 (hg19) VCF-style: chr12-41414145-G-C.
Other names: c.2393G>C, p.Ser798Thr (NM_175038.2); short protein forms S809T, S798T.
Identifiers: ClinVar variation 852514 (VCV000852514.8), dbSNP rs537681547, ClinGen allele CA6517139.

ClinVar aggregate classification (germline): Uncertain significance (1 of 4 stars; one submission).

Conditions:
Compton-North congenital myopathy (CMYO12). Identifiers: Orphanet 210163, MedGen C2675527, MONDO:0012929, OMIM 612540.

Allele frequency attached by ClinVar (database versions not stated): gnomAD 0.00001; gnomAD exomes 0.00003 and 0.00005; ExAC 0.00006.
gnomAD v4.1: 50 of 1,608,696 alleles (0.0031%); highest among the groups gnomAD compares: South Asian, 0.052%; 1 homozygote.

Submission:

Labcorp Genetics (formerly Invitae), Labcorp
Classification: Uncertain significance for Compton-North congenital myopathy. Last evaluated: 2024-03-01. Review status: criteria provided, single submitter. Criteria: Invitae Variant Classification Sherloc (09022015). Collection method: clinical testing. Allele origin: germline.
Comment: This sequence change replaces serine, which is neutral and polar, with threonine, which is neutral and polar, at codon 809 of the CNTN1 protein (p.Ser809Thr). This variant is present in population databases (rs537681547, gnomAD 0.04%). This variant has not been reported in the literature in individuals affected with CNTN1-related conditions. ClinVar contains an entry for this variant (Variation ID: 852514). Advanced modeling of protein sequence and biophysical properties (such as structural, functional, and spatial information, amino acid conservation, physicochemical variation, residue mobility, and thermodynamic stability) performed at Invitae indicates that this missense variant is not expected to disrupt CNTN1 protein function with a negative predictive value of 95%. In summary, the available evidence is currently insufficient to determine the role of this variant in disease. Therefore, it has been classified as a Variant of Uncertain Significance.